The following is an entry in ClinVar:

ClinVar aggregate classification (germline): Conflicting classifications of pathogenicity. Review status: criteria provided, conflicting classifications (1 of 4 stars). 2 submissions from 2 submitters: Pathogenic (1); Uncertain significance (1). Last evaluated 2025-06-16.

Submissions (2):

GeneDx
Classification: Pathogenic. Last evaluated: 2025-06-16. Review status: criteria provided, single submitter. Criteria: GeneDx Variant Classification Process June 2021. Collection method: clinical testing. Allele origin: germline. Affected: yes.
Comment: Not observed at significant frequency in large population cohorts (gnomAD); In silico analysis supports that this missense variant has a deleterious effect on protein structure/function; This variant is associated with the following publications: (PMID: 33726816, 38841322)

Labcorp Genetics (formerly Invitae), Labcorp
Classification: Uncertain significance. Last evaluated: 2024-05-07. Review status: criteria provided, single submitter. Criteria: Invitae Variant Classification Sherloc (09022015). Collection method: clinical testing. Allele origin: germline.
Comment: This sequence change replaces threonine, which is neutral and polar, with isoleucine, which is neutral and non-polar, at codon 125 of the HSD17B10 protein (p.Thr125Ile). This variant is not present in population databases (gnomAD no frequency). This variant has not been reported in the literature in individuals affected with HSD17B10-related conditions. Advanced modeling of protein sequence and biophysical properties (such as structural, functional, and spatial information, amino acid conservation, physicochemical variation, residue mobility, and thermodynamic stability) performed at Invitae indicates that this missense variant is not expected to disrupt HSD17B10 protein function with a negative predictive value of 80%. In summary, the available evidence is currently insufficient to determine the role of this variant in disease. Therefore, it has been classified as a Variant of Uncertain Significance.

NM_004493.3(HSD17B10):c.374C>T (p.Thr125Ile)

Gene: HSD17B10 (hydroxysteroid 17-beta dehydrogenase 10; minus strand). Cytogenetic location: Xp11.22.
Variant type: single nucleotide variant.
Coding change: c.374C>T on transcript NM_004493.3 (MANE Select); coding-DNA position 374, C replaced by T.
Protein change: p.Thr125Ile; replaces threonine 125 with isoleucine.
Molecular consequence: missense variant.
Genome position (GRCh38, 1-based): chrX:53,432,100, G>A on the plus strand (C>T on the coding strand, the complement: HSD17B10 is on the minus strand). VCF-style: chrX-53432100-G-A. GRCh37 (hg19) VCF-style: chrX-53459048-G-A.
Other names: c.374C>T, p.Thr125Ile (NM_001037811.2); short protein forms T125I.
Identifiers: ClinVar variation 3677202 (VCV003677202.3).